The following is an entry in ClinVar:

NM_001277115.2(DNAH11):c.2033T>G (p.Leu678Trp)

Gene: DNAH11 (dynein axonemal heavy chain 11; plus strand). Cytogenetic location: 7p15.3.
Variant type: single nucleotide variant.
Coding change: c.2033T>G on transcript NM_001277115.2 (MANE Select); coding-DNA position 2033, T replaced by G.
Protein change: p.Leu678Trp; replaces leucine 678 with tryptophan.
Molecular consequence: missense variant.
Genome position (GRCh38, 1-based): chr7:21,589,267, T>G. VCF-style: chr7-21589267-T-G. GRCh37 (hg19) VCF-style: chr7-21628885-T-G.
Other names: short protein forms L678W.
Identifiers: ClinVar variation 1017976 (VCV001017976.8), dbSNP rs1784591318, ClinGen allele CA366940458.

ClinVar aggregate classification (germline): Uncertain significance (1 of 4 stars; one submission).

Conditions:
Primary ciliary dyskinesia. Also called: Ciliary dyskinesia. Identifiers: Orphanet 244, MedGen C0008780, MONDO:0016575, HP:0012265.

gnomAD v4.1: 14 of 1,610,672 alleles (0.00087%); highest among the groups gnomAD compares: African/African-American, 0.013%; no homozygotes.

Submission:

Labcorp Genetics (formerly Invitae), Labcorp
Classification: Uncertain significance for Primary ciliary dyskinesia. Last evaluated: 2025-10-29. Review status: criteria provided, single submitter. Criteria: Invitae Variant Classification Sherloc (09022015). Collection method: clinical testing. Allele origin: germline.
Comment: This sequence change replaces leucine, which is neutral and non-polar, with tryptophan, which is neutral and slightly polar, at codon 678 of the DNAH11 protein (p.Leu678Trp). This variant is not present in population databases (gnomAD no frequency). This variant has not been reported in the literature in individuals affected with DNAH11-related conditions. ClinVar contains an entry for this variant (Variation ID: 1017976). Invitae Evidence Modeling of protein sequence and biophysical properties (such as structural, functional, and spatial information, amino acid conservation, physicochemical variation, residue mobility, and thermodynamic stability) indicates that this missense variant is not expected to disrupt DNAH11 protein function with a negative predictive value of 95%. In summary, the available evidence is currently insufficient to determine the role of this variant in disease. Therefore, it has been classified as a Variant of Uncertain Significance.